The following is an entry in ClinVar:

ClinVar aggregate classification (germline): Uncertain significance (1 of 4 stars; one submission).

Submission:

Labcorp Genetics (formerly Invitae), Labcorp
Classification: Uncertain significance. Last evaluated: 2024-06-13. Review status: criteria provided, single submitter. Criteria: Invitae Variant Classification Sherloc (09022015). Collection method: clinical testing. Allele origin: germline.
Comment: This sequence change replaces leucine, which is neutral and non-polar, with arginine, which is basic and polar, at codon 167 of the GPR143 protein (p.Leu167Arg). This variant is not present in population databases (gnomAD no frequency). This variant has not been reported in the literature in individuals affected with GPR143-related conditions. ClinVar contains an entry for this variant (Variation ID: 1926697). Advanced modeling of protein sequence and biophysical properties (such as structural, functional, and spatial information, amino acid conservation, physicochemical variation, residue mobility, and thermodynamic stability) performed at Invitae indicates that this missense variant is expected to disrupt GPR143 protein function with a positive predictive value of 80%. In summary, the available evidence is currently insufficient to determine the role of this variant in disease. Therefore, it has been classified as a Variant of Uncertain Significance.

NM_000273.3(GPR143):c.500T>G (p.Leu167Arg)

Gene: GPR143 (G protein-coupled receptor 143; minus strand). Cytogenetic location: Xp22.2.
Variant type: single nucleotide variant.
Coding change: c.500T>G on transcript NM_000273.3 (MANE Select); coding-DNA position 500, T replaced by G.
Protein change: p.Leu167Arg; replaces leucine 167 with arginine.
Molecular consequence: missense variant.
Genome position (GRCh38, 1-based): chrX:9,748,622, A>C on the plus strand (T>G on the coding strand, the complement: GPR143 is on the minus strand). VCF-style: chrX-9748622-A-C. GRCh37 (hg19) VCF-style: chrX-9716662-A-C.
Other names: short protein forms L167R.
Identifiers: ClinVar variation 1926697 (VCV001926697.5), dbSNP rs2146691575, ClinGen allele CA411997725.
Genomic context (GRCh38, chrX:9,748,622, plus strand): 5'-GTCCCAACTTACCTGGACACGGAAGGGTAGTAGAGCATGGCGGCTCCCTCCACACAGAGC[A>C]GGGTGGCCAGGCCCCACGCCATGATGTGATACAGCAGGATGGTGCTAGGGGACAAGCACA-3'
Protein context (NP_000264.2, residues 157-177): YHIMAWGLAT[Leu167Arg]LCVEGAAMLY